The following is an entry in ClinVar:

ClinVar aggregate classification (germline): Uncertain significance (1 of 4 stars; one submission).

Submission:

Labcorp Genetics (formerly Invitae), Labcorp
Classification: Uncertain significance. Last evaluated: 2023-07-12. Review status: criteria provided, single submitter. Criteria: Invitae Variant Classification Sherloc (09022015). Collection method: clinical testing. Allele origin: unknown.
Comment: This variant is a gross deletion of the genomic region encompassing exon(s) 11-19 of the POLE2 gene, which includes the termination codon. This deletion extends beyond the assayed region for this gene and therefore may encompass additional genes. While this deletion is not anticipated to lead to nonsense mediated decay, it is expected to alter mRNA translation or result in a truncated protein product. This variant has not been reported in the literature in individuals affected with POLE2-related conditions. Experimental studies and prediction algorithms are not available or were not evaluated, and the functional significance of this variant is currently unknown. In summary, the available evidence is currently insufficient to determine the role of this variant in disease. Therefore, it has been classified as a Variant of Uncertain Significance.

NC_000014.8:g.(?_50087987)_(50122581_?)del

Genes: DNAAF2 (dynein axonemal assembly factor 2; minus strand), MGAT2 (alpha-1,6-mannosyl-glycoprotein 2-beta-N-acetylglucosaminyltransferase; plus strand), POLE2 (DNA polymerase epsilon 2, accessory subunit; minus strand). Cytogenetic location: 14q21.3.
Variant type: Deletion.
Identifiers: ClinVar variation 3244077 (VCV003244077.1).